The following is an entry in ClinVar:

NM_000245.4(MET):c.1027T>C (p.Phe343Leu)

Gene: MET (MET proto-oncogene, receptor tyrosine kinase; plus strand). Cytogenetic location: 7q31.2.
Variant type: single nucleotide variant.
Coding change: c.1027T>C on transcript NM_000245.4 (MANE Select); coding-DNA position 1027, T replaced by C.
Protein change: p.Phe343Leu; replaces phenylalanine 343 with leucine.
Molecular consequence: missense variant. On other transcripts: intron variant (1).
Genome position (GRCh38, 1-based): chr7:116,700,111, T>C. VCF-style: chr7-116700111-T-C. GRCh37 (hg19) VCF-style: chr7-116340165-T-C.
Other names: c.1027T>C, p.Phe343Leu (NM_001127500.3, NM_001324401.3); c.-91+27534T>C (NM_001324402.2); short protein forms F343L.
Identifiers: ClinVar variation 822023 (VCV000822023.15), dbSNP rs774022115, ClinGen allele CA4448057.

ClinVar aggregate classification (germline): Conflicting classifications of pathogenicity. Review status: criteria provided, conflicting classifications (1 of 4 stars). 2 submissions from 2 submitters: Uncertain significance (1); Benign (1). Last evaluated 2026-02-02.

Conditions:
Hereditary cancer-predisposing syndrome. Also called: Tumor predisposition; Hereditary Cancer Syndrome; Neoplastic Syndromes, Hereditary; Hereditary neoplastic syndrome. Identifiers: Orphanet 140162, MedGen C0027672, MeSH D009386, MONDO:0015356.
Renal cell carcinoma. Identifiers: Orphanet 217071, MedGen C0007134, MeSH D002292, MONDO:0005086, HP:0005584.

Allele frequency attached by ClinVar (database versions not stated): gnomAD exomes below 0.00001 and 0.00002; TOPMed below 0.00001; ExAC 0.00003.
gnomAD v4.1: 2 of 1,608,886 alleles (0.00012%); highest among the groups gnomAD compares: East Asian, 0.0045%; no homozygotes.

Submissions (2):

Labcorp Genetics (formerly Invitae), Labcorp
Classification: Uncertain significance for Renal cell carcinoma. Last evaluated: 2026-02-02. Review status: criteria provided, single submitter. Criteria: Invitae Variant Classification Sherloc (09022015). Collection method: clinical testing. Allele origin: germline.
Comment: This sequence change replaces phenylalanine, which is neutral and non-polar, with leucine, which is neutral and non-polar, at codon 343 of the MET protein (p.Phe343Leu). This variant is present in population databases (rs774022115, gnomAD 0.02%). This variant has not been reported in the literature in individuals affected with MET-related conditions. ClinVar contains an entry for this variant (Variation ID: 822023). Invitae Evidence Modeling of protein sequence and biophysical properties (such as structural, functional, and spatial information, amino acid conservation, physicochemical variation, residue mobility, and thermodynamic stability) indicates that this missense variant is not expected to disrupt MET protein function with a negative predictive value of 80%. In summary, the available evidence is currently insufficient to determine the role of this variant in disease. Therefore, it has been classified as a Variant of Uncertain Significance.

Ambry Genetics
Classification: Benign for Hereditary cancer-predisposing syndrome. Last evaluated: 2025-02-25. Review status: criteria provided, single submitter. Criteria: Ambry Variant Classification Scheme 2023. Collection method: clinical testing. Allele origin: germline.